The following is an entry in ClinVar:

NM_000094.4(COL7A1):c.1758del (p.Ser587fs)

Gene: COL7A1 (collagen type VII alpha 1 chain; minus strand). Cytogenetic location: 3p21.31.
Variant type: Deletion.
Coding change: c.1758del on transcript NM_000094.4 (MANE Select); coding-DNA position 1758, one base deleted (C; older notation c.1758delC).
Protein change: p.Ser587fs; shifts the reading frame from serine 587.
Molecular consequence: frameshift variant.
Genome position (GRCh38, 1-based): chr3:48,590,695, G deleted on the plus strand (C on the coding strand, the reverse complement: COL7A1 is on the minus strand); the first of 2 consecutive G bases (chr3:48,590,695-48,590,696); deleting either gives the same sequence. VCF-style (leftmost placement, unchanged base first): chr3-48590694-TG-T. GRCh37 (hg19) VCF-style: chr3-48628127-TG-T.
Other names: c.1758delC (NM_000094.4); c.1758del (NM_000094.3); short protein forms S587fs.
Identifiers: ClinVar variation 1047975 (VCV001047975.4), dbSNP rs2045631974, ClinGen allele CA1363085579.
Genomic context (GRCh38, chr3:48,590,694, plus strand): 5'-GCAGGCAGCTGTCCTCCACAAGCCTCCTGCAGTACTCACCCCGGCGGACAGTGAGGACAC[TG>T]GCACTGCCCTCACGGGGACCCACTCGAGCAGACACCCGCACAGTGTAGCTAAGCCCAGCC-3'

ClinVar aggregate classification (germline): Pathogenic. Review status: criteria provided, multiple submitters, no conflicts (2 of 4 stars). 3 submissions from 3 submitters: Pathogenic (3). Last evaluated 2025-01-14.

Conditions:
Epidermolysis bullosa dystrophica. Also called: Dystrophic epidermolysis bullosa, Hallopeau-Siemens type (formerly); Dystrophic epidermolysis bullosa. Identifiers: Orphanet 303, MedGen C0079294, MONDO:0006543.
Transient bullous dermolysis of the newborn (TBDN). Also called: DYSTROPHIC EPIDERMOLYSIS BULLOSA, NEONATAL; EPIDERMOLYSIS BULLOSA DYSTROPHICA, NEONATAL FORM. Identifiers: Orphanet 79411, MedGen C1851573, MONDO:0007548, OMIM 131705.

Submissions (3):

Natera, Inc.
Classification: Pathogenic for Dystrophic epidermolysis bullosa. Last evaluated: 2025-01-14. Review status: criteria provided, single submitter. Criteria: Natera Variant Classification Schema (03/2026). Collection method: clinical testing. Allele origin: germline.
Comment: The c.1758del variant in COL7A1 is a frameshift variant predicted to shift the reading frame beginning at codon 587 and leads to a stop codon 28 codons downstream. This variant is expected to result in nonsense mediated decay, truncation, or a dysfunctional protein product. This variant is rare in the general population with a frequency below the threshold expected for the associated phenotype(s). This variant has been observed in one or more individuals affected with the associated recessive disease, as either homozygous or compound heterozygous with a second variant (PMID: 31001817). Given the available evidence, this variant is classified as Pathogenic.

Mendelics
Classification: Pathogenic for Transient bullous dermolysis of the newborn. Last evaluated: 2022-05-04. Review status: criteria provided, single submitter. Criteria: Mendelics Assertion Criteria 2019. Collection method: clinical testing. Allele origin: germline.

Biomedical Innovation Departament, CIEMAT
Classification: Pathogenic for Dystrophic epidermolysis bullosa. Last evaluated: 2014-02-12. Review status: criteria provided, single submitter. Criteria: ACMG Guidelines, 2015. Collection method: research. Allele origin: germline. Affected: yes. Observed: 1 variant allele.

Literature cited by the submitters: PubMed 31001817 (cited by Natera, Inc.).